The following is an entry in ClinVar:

ClinVar aggregate classification (germline): Uncertain significance. Review status: criteria provided, multiple submitters, no conflicts (2 of 4 stars). 2 submissions from 2 submitters: Uncertain significance (2). Last evaluated 2026-08-19.

Conditions:
Hereditary cancer-predisposing syndrome. Also called: Hereditary Cancer Syndrome; Neoplastic Syndromes, Hereditary; Hereditary neoplastic syndrome; Tumor predisposition. Identifiers: Orphanet 140162, MedGen C0027672, MeSH D009386, MONDO:0015356.

Submissions (2):

Ambry Genetics
Classification: Uncertain significance for Hereditary cancer-predisposing syndrome. Last evaluated: 2026-08-19. Review status: criteria provided, single submitter. Criteria: Ambry Variant Classification Scheme 2023. Collection method: clinical testing. Allele origin: germline.
Comment: The c.684dupG variant, located in coding exon 2 of the HOXB13 gene, results from a duplication of G at nucleotide position 684, causing a translational frameshift with a predicted alternate stop codon (p.R229Afs*10). This variant occurs at the 3' terminus of the gene and is not expected to trigger nonsense-mediated mRNA decay. Based on the available evidence, the clinical significance of this variant remains unclear.

Labcorp Genetics (formerly Invitae), Labcorp
Classification: Uncertain significance. Last evaluated: 2021-08-02. Review status: criteria provided, single submitter. Criteria: Invitae Variant Classification Sherloc (09022015). Collection method: clinical testing. Allele origin: germline.
Comment: In summary, the available evidence is currently insufficient to determine the role of this variant in disease. Therefore, it has been classified as a Variant of Uncertain Significance. Experimental studies and prediction algorithms are not available or were not evaluated, and the functional significance of this variant is currently unknown. This variant has not been reported in the literature in individuals affected with HOXB13-related conditions. This variant is not present in population databases (ExAC no frequency). This sequence change creates a premature translational stop signal (p.Arg229Alafs*10) in the HOXB13 gene. While this is not anticipated to result in nonsense mediated decay, it is expected to disrupt the last 56 amino acid(s) of the HOXB13 protein.

NM_006361.6(HOXB13):c.684dup (p.Arg229fs)

Gene: HOXB13 (homeobox B13; minus strand). Cytogenetic location: 17q21.32.
Variant type: Duplication.
Coding change: c.684dup on transcript NM_006361.6 (MANE Select); coding-DNA position 684, one base duplicated (G; older notation c.684dupG).
Protein change: p.Arg229fs; shifts the reading frame from arginine 229.
Molecular consequence: frameshift variant.
Genome position (GRCh38, 1-based): chr17:48,726,961, C duplicated on the plus strand (G on the coding strand, the reverse complement: HOXB13 is on the minus strand). VCF-style (leftmost placement, unchanged base first): chr17-48726960-G-GC. GRCh37 (hg19) VCF-style: chr17-46804322-G-GC.
Other names: c.684dupG (NM_006361.5); short protein forms R229fs.
Identifiers: ClinVar variation 1371756 (VCV001371756.7), dbSNP rs2143066983, ClinGen allele CA2573154105.